The following is an entry in ClinVar:

ClinVar aggregate classification (germline): Uncertain significance. Review status: criteria provided, multiple submitters, no conflicts (2 of 4 stars). 2 submissions from 2 submitters: Uncertain significance (2). Last evaluated 2026-04-30.

Conditions:
Inborn genetic diseases. Identifiers: MedGen C0950123, MeSH D030342.

gnomAD v4.1: 5 of 1,613,784 alleles (0.00031%); highest among the groups gnomAD compares: African/African-American, 0.0013%; no homozygotes.

Submissions (2):

Ambry Genetics
Classification: Uncertain significance for Inborn genetic diseases. Last evaluated: 2026-04-30. Review status: criteria provided, single submitter. Criteria: Ambry Variant Classification Scheme 2023. Collection method: clinical testing. Allele origin: germline.
Comment: The c.3272C>T (p.A1091V) alteration is located in exon 29 (coding exon 28) of the NALCN gene. This alteration results from a C to T substitution at nucleotide position 3272, causing the alanine (A) at amino acid position 1091 to be replaced by a valine (V). Based on data from gnomAD, the T allele has an overall frequency of 0.001% (2/250620) total alleles studied. The highest observed frequency was 0.002% (2/113026) of European (non-Finnish) alleles. Based on insufficient or conflicting evidence, the clinical significance of this alteration remains unclear.

Labcorp Genetics (formerly Invitae), Labcorp
Classification: Uncertain significance. Last evaluated: 2023-12-01. Review status: criteria provided, single submitter. Criteria: Invitae Variant Classification Sherloc (09022015). Collection method: clinical testing. Allele origin: germline.
Comment: This sequence change replaces alanine, which is neutral and non-polar, with valine, which is neutral and non-polar, at codon 1091 of the NALCN protein (p.Ala1091Val). This variant is present in population databases (no rsID available, gnomAD 0.002%). This variant has not been reported in the literature in individuals affected with NALCN-related conditions. An algorithm developed to predict the effect of missense changes on protein structure and function (PolyPhen-2) suggests that this variant is likely to be tolerated. In summary, the available evidence is currently insufficient to determine the role of this variant in disease. Therefore, it has been classified as a Variant of Uncertain Significance.

NM_052867.4(NALCN):c.3272C>T (p.Ala1091Val)

Gene: NALCN (sodium leak channel, non-selective; minus strand). Cytogenetic location: 13q32.3.
Variant type: single nucleotide variant.
Coding change: c.3272C>T on transcript NM_052867.4 (MANE Select); coding-DNA position 3272, C replaced by T.
Protein change: p.Ala1091Val; replaces alanine 1091 with valine.
Molecular consequence: missense variant.
Genome position (GRCh38, 1-based): chr13:101,089,964, G>A on the plus strand (C>T on the coding strand, the complement: NALCN is on the minus strand). VCF-style: chr13-101089964-G-A. GRCh37 (hg19) VCF-style: chr13-101742315-G-A.
Other names: c.3359C>T, p.Ala1120Val (NM_001350748.2); c.3272C>T, p.Ala1091Val (NM_001350749.2); c.3185C>T, p.Ala1062Val (NM_001350750.2, NM_001350751.2); c.3272C>T (NM_052867.2); short protein forms A1062V, A1091V, A1120V.
Identifiers: ClinVar variation 2878690 (VCV002878690.4), dbSNP rs147053581, ClinGen allele CA388653313.